The following is an entry in ClinVar:

NM_005762.3(TRIM28):c.1739_1747del (p.Ala580_Ala582del)

Gene: TRIM28 (tripartite motif containing 28; plus strand). Cytogenetic location: 19q13.43.
Variant type: Deletion.
Coding change: c.1739_1747del on transcript NM_005762.3 (MANE Select); coding-DNA positions 1739 to 1747, 9 bases deleted (CTCTTGCGG; older notation c.1739_1747delCTCTTGCGG).
Protein change: p.Ala580_Ala582del.
Genome position (GRCh38, 1-based): chr19:58,549,407-58,549,415, CTCTTGCGG deleted; deleting any 9 consecutive bases within chr19:58,549,405-58,549,415 gives the same sequence; the c. name uses the placement nearest the transcript's 3' end. VCF-style (leftmost placement, unchanged base first): chr19-58549404-TGGCTCTTGC-T. GRCh37 (hg19) VCF-style: chr19-59060771-TGGCTCTTGC-T.
Identifiers: ClinVar variation 3638278 (VCV003638278.2).
Genomic context (GRCh38, chr19:58,549,404, plus strand): 5'-AGGCTGCCATTGGAGCCCCTCCTACTGCCACTGAGGGCCCTGAGACCAAACCTGTGCTTA[TGGCTCTTGC>T]GGAGGGTCCTGGTGCTGAGGGTCCCCGCCTGGCCTCACCTAGTGGCAGCACCAGCTCAGG-3'

ClinVar aggregate classification (germline): Uncertain significance (1 of 4 stars; one submission).

Submission:

Labcorp Genetics (formerly Invitae), Labcorp
Classification: Uncertain significance. Last evaluated: 2024-05-15. Review status: criteria provided, single submitter. Criteria: Invitae Variant Classification Sherloc (09022015). Collection method: clinical testing. Allele origin: germline.
Comment: This variant, c.1739_1747del, results in the deletion of 3 amino acid(s) of the TRIM28 protein (p.Ala580_Ala582del), but otherwise preserves the integrity of the reading frame. This variant is present in population databases (rs757633258, gnomAD 0.003%). This variant has not been reported in the literature in individuals affected with TRIM28-related conditions. Experimental studies and prediction algorithms are not available or were not evaluated, and the functional significance of this variant is currently unknown. In summary, the available evidence is currently insufficient to determine the role of this variant in disease. Therefore, it has been classified as a Variant of Uncertain Significance.